The following is an entry in ClinVar:

NM_000444.6(PHEX):c.1790dup (p.Asn598fs)

Genes: PHEX (phosphate regulating endopeptidase X-linked; plus strand), PTCHD1-AS (PTCHD1 and PHEX antisense RNA; minus strand). Cytogenetic location: Xp22.11.
Variant type: Duplication.
Coding change: c.1790dup on transcript NM_000444.6 (MANE Select); coding-DNA position 1790, one base duplicated (G; older notation c.1790dupG).
Protein change: p.Asn598fs; shifts the reading frame from asparagine 598.
Molecular consequence: frameshift variant.
Genome position (GRCh38, 1-based): chrX:22,221,634, G duplicated; the last of 2 consecutive G bases (chrX:22,221,633-22,221,634); duplicating either gives the same sequence. VCF-style (leftmost placement, unchanged base first): chrX-22221632-T-TG. GRCh37 (hg19) VCF-style: chrX-22239749-T-TG.
Other names: c.1790dup, p.Asn598fs (NM_001282754.2); short protein forms N598fs.
Identifiers: ClinVar variation 3254840 (VCV003254840.1), dbSNP rs2518664231.
Genomic context (GRCh38, chrX:22,221,632, plus strand): 5'-CATAAATAACACAAATGTCTTCGAACTTTTCCTTTTGCTAGGTAGAAAATATGATAAAAA[T>TG]GGAAACCTGGATCCTTGGTGGTCTACTGAATCAGAAGAAAAGTTTAAGGAAAAAACAAAA-3'

ClinVar aggregate classification (germline): Pathogenic (1 of 4 stars; one submission).

Conditions:
Familial X-linked hypophosphatemic vitamin D refractory rickets (XLHRD). Also called: Hypophosphatemia, vitamin D-resistant rickets; Vitamin D-resistant rickets, X-linked; HYPOPHOSPHATEMIC VITAMIN D-RESISTANT RICKETS; X-Linked Hypophosphatemia; Hypophosphatemic Rickets, X-Linked Dominant. Identifiers: Orphanet 89936, MedGen C0733682, MONDO:0010619, OMIM 307800.

Submission:

Victorian Clinical Genetics Services, Murdoch Childrens Research Institute
Classification: Pathogenic for Familial X-linked hypophosphatemic vitamin D refractory rickets. Last evaluated: 2023-07-17. Review status: criteria provided, single submitter. Criteria: ACMG Guidelines, 2015. Collection method: clinical testing. Allele origin: germline. Inheritance: X-linked dominant inheritance. Affected: yes.
Comment: Based on the classification scheme VCGS_Germline_v1.3.4, this variant is classified as Pathogenic. Following criteria are met: 0102 - Loss of function is a known mechanism of disease in this gene and is associated with hypophosphatemic rickets, X-linked dominant (MIM#307800). (I) 0110 - This gene is associated with X-linked dominant disease. (I) 0115 - Variants in this gene are known to have variable expressivity (PMID:22319799). (I) 0201 - Variant is predicted to cause nonsense-mediated decay (NMD) and loss of protein (premature termination codon is located at least 54 nucleotides upstream of the final exon-exon junction). (SP) 0251 - This variant is heterozygous. (I) 0301 - Variant is absent from gnomAD (both v2 and v3). (SP) 0701 - Other NMD predicted variants comparable to the one identified in this case have very strong previous evidence for pathogenicity (DECIPHER). (SP) 0807 - This variant has no previous evidence of pathogenicity. (I) 0905 - No published segregation evidence has been identified for this variant. (I) 1007 - No published functional evidence has been identified for this variant. (I) 1208 - Inheritance information for this variant is not currently available in this individual. (I) Legend: (SP) - Supporting pathogenic, (I) - Information, (SB) - Supporting benign

Literature cited by the submitters: PubMed 22319799.